The following is an entry in ClinVar:

ClinVar aggregate classification (germline): Conflicting classifications of pathogenicity. Review status: criteria provided, conflicting classifications (1 of 4 stars). 4 submissions from 4 submitters: Uncertain significance (3); Likely benign (1). Last evaluated 2024-12-11.

Conditions:
Hereditary cancer-predisposing syndrome. Also called: Neoplastic Syndromes, Hereditary; Tumor predisposition; Hereditary neoplastic syndrome; Hereditary Cancer Syndrome. Identifiers: Orphanet 140162, MedGen C0027672, MeSH D009386, MONDO:0015356.
Hereditary breast ovarian cancer syndrome. Also called: Hereditary breast and ovarian cancer; Hereditary breast and/or ovarian cancer syndrome; BRCA1- and BRCA2-Associated Hereditary Breast and Ovarian Cancer; Hereditary breast and ovarian cancer syndrome; Hereditary breast and ovarian cancer syndrome (HBOC); Breast and ovarian cancer. Identifiers: Orphanet 145, MedGen C0677776, MeSH D061325, MONDO:0003582. Disease mechanism: loss of function.

Submissions (4):

Quest Diagnostics Nichols Institute San Juan Capistrano
Classification: Uncertain significance. Last evaluated: 2024-12-11. Review status: criteria provided, single submitter. Criteria: Quest Diagnostics criteria. Collection method: clinical testing. Allele origin: unknown.
Comment: The BRCA1 c.1625A>G (p.Asn542Ser) variant has been reported to be located in a region of the BRCA1 gene that is tolerant to missense sequence changes (PMID: 31911673 (2020)). To the best of our knowledge, this variant has not been reported in individuals with BRCA1-related disorders. This variant has not been reported in large, multi-ethnic general populations (Genome Aggregation Database). Analysis of this variant using bioinformatics tools for the prediction of the effect of amino acid changes on protein structure and function yielded predictions that this variant is benign. Based on the available information, we are unable to determine the clinical significance of this variant.

Ambry Genetics
Classification: Uncertain significance for Hereditary cancer-predisposing syndrome. Last evaluated: 2023-07-12. Review status: criteria provided, single submitter. Criteria: Ambry Variant Classification Scheme 2023. Collection method: clinical testing. Allele origin: germline.
Comment: The p.N542S variant (also known as c.1625A>G), located in coding exon 9 of the BRCA1 gene, results from an A to G substitution at nucleotide position 1625. The asparagine at codon 542 is replaced by serine, an amino acid with highly similar properties. This amino acid position is not well conserved in available vertebrate species. In addition, the in silico prediction for this alteration is inconclusive. Since supporting evidence is limited at this time, the clinical significance of this alteration remains unclear.

University of Washington Department of Laboratory Medicine, University of Washington
Classification: Likely benign for Hereditary cancer-predisposing syndrome. Last evaluated: 2023-03-23. Review status: criteria provided, single submitter. Criteria: Dines et al. (Genet Med. 2020). Collection method: curation. Allele origin: germline.
Comment: Missense variant in a coldspot region where missense variants are very unlikely to be pathogenic (PMID:31911673).

BRCA1 coldspot (exon 11 using historical exon numbering). Reclassification based on statistical prior probability

Labcorp Genetics (formerly Invitae), Labcorp
Classification: Uncertain significance for Hereditary breast ovarian cancer syndrome. Last evaluated: 2021-01-27. Review status: criteria provided, single submitter. Criteria: Invitae Variant Classification Sherloc (09022015). Collection method: clinical testing. Allele origin: germline.
Comment: In summary, the available evidence is currently insufficient to determine the role of this variant in disease. Therefore, it has been classified as a Variant of Uncertain Significance. Advanced modeling of protein sequence and biophysical properties (such as structural, functional, and spatial information, amino acid conservation, physicochemical variation, residue mobility, and thermodynamic stability) performed at Invitae indicates that this missense variant is not expected to disrupt BRCA1 protein function. This variant has not been reported in the literature in individuals with BRCA1-related conditions. This variant is not present in population databases (ExAC no frequency). This sequence change replaces asparagine with serine at codon 542 of the BRCA1 protein (p.Asn542Ser). The asparagine residue is moderately conserved and there is a small physicochemical difference between asparagine and serine.

Literature cited by the submitters: PubMed 31911673 (cited by Quest Diagnostics Nichols Institute San Juan Capistrano).

NM_007294.4(BRCA1):c.1625A>G (p.Asn542Ser)

Gene: BRCA1 (BRCA1 DNA repair associated; minus strand). Cytogenetic location: 17q21.31.
Variant type: single nucleotide variant.
Coding change: c.1625A>G on transcript NM_007294.4 (MANE Select); coding-DNA position 1625, A replaced by G.
Protein change: p.Asn542Ser; replaces asparagine 542 with serine.
Molecular consequence: missense variant. On other transcripts: intron variant (137).
Genome position (GRCh38, 1-based): chr17:43,093,906, T>C on the plus strand (A>G on the coding strand, the complement: BRCA1 is on the minus strand). VCF-style: chr17-43093906-T-C. GRCh37 (hg19) VCF-style: chr17-41245923-T-C.
Other names: c.1412A>G, p.Asn471Ser (NM_001407571.1, NM_001407853.1, NM_001407894.1 and 9 more transcripts); c.1625A>G, p.Asn542Ser (NM_001407581.1, NM_001407582.1, NM_001407583.1 and 30 more transcripts); c.1622A>G, p.Asn541Ser (NM_001407587.1, NM_001407590.1, NM_001407591.1 and 22 more transcripts); c.1616A>G, p.Asn539Ser (NM_001407646.1, NM_001407647.1); c.1502A>G, p.Asn501Ser (NM_001407648.1, NM_001407664.1, NM_001407665.1 and 19 more transcripts); c.1499A>G, p.Asn500Ser (NM_001407649.1, NM_001407670.1, NM_001407671.1 and 11 more transcripts); c.1547A>G, p.Asn516Ser (NM_001407653.1, NM_001407654.1, NM_001407655.1 and 4 more transcripts); c.1544A>G, p.Asn515Ser (NM_001407659.1, NM_001407660.1, NM_001407661.1 and 1 more transcripts); and 40 more; short protein forms N495S, N542S, N431S, N453S, N472S, N475S, N539S, N541S.
Identifiers: ClinVar variation 1367120 (VCV001367120.14), dbSNP rs2154433378, ClinGen allele CA10598790.